The following is an entry in ClinVar:

NM_000079.4(CHRNA1):c.1242+139T>G

Gene: CHRNA1 (cholinergic receptor nicotinic alpha 1 subunit; minus strand). Cytogenetic location: 2q31.1.
Variant type: single nucleotide variant.
Coding change: c.1242+139T>G on transcript NM_000079.4 (MANE Select); 139 bases into the intron after coding-DNA position 1242, T replaced by G.
Molecular consequence: intron variant.
Genome position (GRCh38, 1-based): chr2:174,748,441, A>C on the plus strand (T>G on the coding strand, the complement: CHRNA1 is on the minus strand). VCF-style: chr2-174748441-A-C. GRCh37 (hg19) VCF-style: chr2-175613169-A-C.
Other names: c.1317+139T>G (NM_001039523.3).
Identifiers: ClinVar variation 679133 (VCV000679133.2), dbSNP rs2305414, ClinGen allele CA11038441.

ClinVar aggregate classification (germline): Benign. Review status: criteria provided, multiple submitters, no conflicts (2 of 4 stars). 2 submissions from 2 submitters: Benign (2). Last evaluated 2018-06-16.

Allele frequency attached by ClinVar (database versions not stated): 1000 Genomes Project 0.37300; 1000 Genomes Project 30x 0.38335; gnomAD 0.42753 and 0.43411; TOPMed 0.43078.
gnomAD v4.1: 632,910 of 1,386,640 alleles (46%); highest among the groups gnomAD compares: Middle Eastern, 48%; 147,337 homozygotes.

Submissions (2):

GeneDx
Classification: Benign. Last evaluated: 2018-06-16. Review status: criteria provided, single submitter. Criteria: GeneDx Variant Classification (06012015). Collection method: clinical testing. Allele origin: germline. Affected: yes.
Comment: This variant is considered likely benign or benign based on one or more of the following criteria: it is a conservative change, it occurs at a poorly conserved position in the protein, it is predicted to be benign by multiple in silico algorithms, and/or has population frequency not consistent with disease.

Breakthrough Genomics
Classification: Benign. Review status: criteria provided, single submitter. Criteria: ACMG Guidelines, 2015. Collection method: not provided. Allele origin: germline. Inheritance: Autosomal recessive inheritance. Affected: yes.